The following is an entry in ClinVar:

ClinVar aggregate classification (germline): Uncertain significance (1 of 4 stars; one submission).

Conditions:
Cortical dysplasia-focal epilepsy syndrome (PTHSL1). Also called: Pitt-Hopkins-like syndrome 1. Identifiers: Orphanet 163681, Orphanet 221150, MedGen C2750246, MONDO:0012400, OMIM 610042.

Allele frequency attached by ClinVar (database versions not stated): gnomAD exomes below 0.00001; ExAC 0.00001; gnomAD 0.00001; TOPMed 0.00003.
gnomAD v4.1: 3 of 1,613,898 alleles (0.00019%); highest among the groups gnomAD compares: African/African-American, 0.0013%; no homozygotes.

Submission:

Labcorp Genetics (formerly Invitae), Labcorp
Classification: Uncertain significance for Cortical dysplasia-focal epilepsy syndrome. Last evaluated: 2024-12-10. Review status: criteria provided, single submitter. Criteria: Invitae Variant Classification Sherloc (09022015). Collection method: clinical testing. Allele origin: germline.
Comment: This sequence change replaces serine, which is neutral and polar, with cysteine, which is neutral and slightly polar, at codon 53 of the CNTNAP2 protein (p.Ser53Cys). This variant is present in population databases (rs762223005, gnomAD 0.007%). This variant has not been reported in the literature in individuals affected with CNTNAP2-related conditions. ClinVar contains an entry for this variant (Variation ID: 1423551). An algorithm developed to predict the effect of missense changes on protein structure and function (PolyPhen-2) suggests that this variant is likely to be disruptive. In summary, the available evidence is currently insufficient to determine the role of this variant in disease. Therefore, it has been classified as a Variant of Uncertain Significance.

NM_014141.6(CNTNAP2):c.158C>G (p.Ser53Cys)

Gene: CNTNAP2 (contactin associated protein 2; plus strand). Cytogenetic location: 7q35.
Variant type: single nucleotide variant.
Coding change: c.158C>G on transcript NM_014141.6 (MANE Select); coding-DNA position 158, C replaced by G.
Protein change: p.Ser53Cys; replaces serine 53 with cysteine.
Molecular consequence: missense variant.
Genome position (GRCh38, 1-based): chr7:146,774,331, C>G. VCF-style: chr7-146774331-C-G. GRCh37 (hg19) VCF-style: chr7-146471423-C-G.
Other names: short protein forms S53C.
Identifiers: ClinVar variation 1423551 (VCV001423551.7), dbSNP rs762223005, ClinGen allele CA4545708.
Genomic context (GRCh38, chr7:146,774,331, plus strand): 5'-AAAAATGTGATGAGCCACTTGTCTCTGGACTCCCCCATGTGGCTTTCAGCAGCTCCTCCT[C>G]CATCTCTGGTAGCTATTCTCCCGGCTATGCCAAGATAAACAAGAGAGGAGGTAAGCCAAA-3'
Protein context (NP_054860.1, residues 43-63): LPHVAFSSSS[Ser53Cys]ISGSYSPGYA